The following is an entry in ClinVar:

ClinVar aggregate classification (germline): Conflicting classifications of pathogenicity. Review status: criteria provided, conflicting classifications (1 of 4 stars). 3 submissions from 3 submitters: Uncertain significance (2); Benign (1). Last evaluated 2024-08-06.

Conditions:
Charlevoix-Saguenay spastic ataxia (SACS). Also called: Spastic ataxia of Charlevoix-Saguenay; AUTOSOMAL RECESSIVE SPASTIC ATAXIA OF CHARLEVOIX-SAGUENAY; SPASTIC ATAXIA 6, AUTOSOMAL RECESSIVE. Identifiers: Orphanet 98, MedGen C1849140, MONDO:0010041, OMIM 270550.
Spastic paraplegia. Identifiers: MedGen C0037772, HP:0001258.

Allele frequency attached by ClinVar (database versions not stated): gnomAD 0.00001; TOPMed 0.00003.
gnomAD v4.1: 8 of 1,613,354 alleles (0.0005%); highest among the groups gnomAD compares: Admixed American, 0.013%; no homozygotes.

Submissions (3):

Labcorp Genetics (formerly Invitae), Labcorp
Classification: Benign for Spastic paraplegia. Last evaluated: 2024-08-06. Review status: criteria provided, single submitter. Criteria: Invitae Variant Classification Sherloc (09022015). Collection method: clinical testing. Allele origin: germline.

Fulgent Genetics
Classification: Uncertain significance for Charlevoix-Saguenay spastic ataxia. Last evaluated: 2024-02-19. Review status: criteria provided, single submitter. Criteria: ACMG Guidelines, 2015. Collection method: clinical testing. Allele origin: germline.

GeneDx
Classification: Uncertain significance. Last evaluated: 2023-01-10. Review status: criteria provided, single submitter. Criteria: GeneDx Variant Classification Process June 2021. Collection method: clinical testing. Allele origin: germline. Affected: yes.
Comment: In silico analysis supports that this missense variant does not alter protein structure/function; Has not been previously published as pathogenic or benign to our knowledge

NM_014363.6(SACS):c.3912G>T (p.Leu1304Phe)

Gene: SACS (sacsin molecular chaperone; minus strand). Cytogenetic location: 13q12.12.
Variant type: single nucleotide variant.
Coding change: c.3912G>T on transcript NM_014363.6 (MANE Select); coding-DNA position 3912, G replaced by T.
Protein change: p.Leu1304Phe; replaces leucine 1304 with phenylalanine.
Molecular consequence: missense variant.
Genome position (GRCh38, 1-based): chr13:23,339,964, C>A on the plus strand (G>T on the coding strand, the complement: SACS is on the minus strand). VCF-style: chr13-23339964-C-A. GRCh37 (hg19) VCF-style: chr13-23914103-C-A.
Other names: c.3471G>T, p.Leu1157Phe (NM_001278055.2); c.3912G>T (NM_014363.4); short protein forms L1157F, L1304F.
Identifiers: ClinVar variation 2138238 (VCV002138238.6), dbSNP rs753675356, ClinGen allele CA6911459.
Genomic context (GRCh38, chr13:23,339,964, plus strand): 5'-TATTGAACCACAGACCTTAAATAGTTGGTGGAATTTTGCCATGGTTTTAGGTACATTATG[C>A]AAATAAGGCTGAAGGTCAAGATCATGGATTGGTTTAATCACAGCCTGGGCAAGTGGACAA-3'
Protein context (NP_055178.3, residues 1294-1314): PIHDLDLQPY[Leu1304Phe]HNVPKTMAKF